The following is an entry in ClinVar:

ClinVar aggregate classification (germline): Uncertain significance (1 of 4 stars; one submission).

Allele frequency attached by ClinVar (database versions not stated): gnomAD exomes below 0.00001; gnomAD 0.00001; TOPMed 0.00001.
gnomAD v4.1: 5 of 1,612,070 alleles (0.00031%); highest among the groups gnomAD compares: African/African-American, 0.0067%; no homozygotes.

Submission:

Labcorp Genetics (formerly Invitae), Labcorp
Classification: Uncertain significance. Last evaluated: 2024-09-28. Review status: criteria provided, single submitter. Criteria: Invitae Variant Classification Sherloc (09022015). Collection method: clinical testing. Allele origin: germline.
Comment: This sequence change replaces alanine, which is neutral and non-polar, with threonine, which is neutral and polar, at codon 647 of the ITPR1 protein (p.Ala647Thr). This variant is present in population databases (no rsID available, gnomAD 0.01%). This variant has not been reported in the literature in individuals affected with ITPR1-related conditions. Invitae Evidence Modeling of protein sequence and biophysical properties (such as structural, functional, and spatial information, amino acid conservation, physicochemical variation, residue mobility, and thermodynamic stability) has been performed for this missense variant. However, the output from this modeling did not meet the statistical confidence thresholds required to predict the impact of this variant on ITPR1 protein function. In summary, the available evidence is currently insufficient to determine the role of this variant in disease. Therefore, it has been classified as a Variant of Uncertain Significance.

NM_001378452.1(ITPR1):c.1984G>A (p.Ala662Thr)

Gene: ITPR1 (inositol 1,4,5-trisphosphate receptor type 1; plus strand). Cytogenetic location: 3p26.1.
Variant type: single nucleotide variant.
Coding change: c.1984G>A on transcript NM_001378452.1 (MANE Select); coding-DNA position 1984, G replaced by A.
Protein change: p.Ala662Thr; replaces alanine 662 with threonine.
Molecular consequence: missense variant.
Genome position (GRCh38, 1-based): chr3:4,669,751, G>A. VCF-style: chr3-4669751-G-A. GRCh37 (hg19) VCF-style: chr3-4711435-G-A.
Other names: c.1939G>A, p.Ala647Thr (NM_002222.7, NM_001168272.2); c.1984G>A, p.Ala662Thr (NM_001099952.4); short protein forms A647T, A662T.
Identifiers: ClinVar variation 2991503 (VCV002991503.3), dbSNP rs991830876, ClinGen allele CA68815630.